The following is an entry in ClinVar:

NM_014994.3(MAPKBP1):c.3902G>A (p.Arg1301His)

Gene: MAPKBP1 (mitogen-activated protein kinase binding protein 1; plus strand). Cytogenetic location: 15q15.1.
Variant type: single nucleotide variant.
Coding change: c.3902G>A on transcript NM_014994.3 (MANE Select); coding-DNA position 3902, G replaced by A.
Protein change: p.Arg1301His; replaces arginine 1301 with histidine.
Molecular consequence: missense variant. On other transcripts: non-coding transcript variant (2), intron variant (1).
Genome position (GRCh38, 1-based): chr15:41,823,750, G>A. VCF-style: chr15-41823750-G-A. GRCh37 (hg19) VCF-style: chr15-42115948-G-A.
Other names: c.3920G>A, p.Arg1307His (NM_001128608.2); c.3383-734G>A (NM_001265611.2); short protein forms R1301H, R1307H.
Identifiers: ClinVar variation 1924767 (VCV001924767.5), dbSNP rs372334816, ClinGen allele CA7498689.

ClinVar aggregate classification (germline): Uncertain significance (1 of 4 stars; one submission).

Allele frequency attached by ClinVar (database versions not stated): gnomAD 0.00003; TOPMed 0.00003; gnomAD exomes 0.00004; ExAC 0.00005; ESP Exome Variant Server 0.00008.
gnomAD v4.1: 63 of 1,613,954 alleles (0.0039%); highest among the groups gnomAD compares: South Asian, 0.037%; no homozygotes.

Submission:

Labcorp Genetics (formerly Invitae), Labcorp
Classification: Uncertain significance. Last evaluated: 2022-02-19. Review status: criteria provided, single submitter. Criteria: Invitae Variant Classification Sherloc (09022015). Collection method: clinical testing. Allele origin: germline.
Comment: In summary, the available evidence is currently insufficient to determine the role of this variant in disease. Therefore, it has been classified as a Variant of Uncertain Significance. Algorithms developed to predict the effect of missense changes on protein structure and function (SIFT, PolyPhen-2, Align-GVGD) all suggest that this variant is likely to be tolerated. This variant has not been reported in the literature in individuals affected with MAPKBP1-related conditions. This variant is present in population databases (rs372334816, gnomAD 0.04%). This sequence change replaces arginine, which is basic and polar, with histidine, which is basic and polar, at codon 1307 of the MAPKBP1 protein (p.Arg1307His).